The following is an entry in ClinVar:

ClinVar aggregate classification (germline): Uncertain significance (1 of 4 stars; one submission).

Allele frequency attached by ClinVar (database versions not stated): ExAC 0.00021; gnomAD exomes 0.00027; gnomAD 0.00034; TOPMed 0.00037; ESP Exome Variant Server 0.00031.
gnomAD v4.1: 614 of 1,610,922 alleles (0.038%); highest among the groups gnomAD compares: Admixed American, 0.074%; no homozygotes.

Submission:

Labcorp Genetics (formerly Invitae), Labcorp
Classification: Uncertain significance. Last evaluated: 2023-05-05. Review status: criteria provided, single submitter. Criteria: Invitae Variant Classification Sherloc (09022015). Collection method: clinical testing. Allele origin: germline.
Comment: This sequence change replaces arginine, which is basic and polar, with glutamine, which is neutral and polar, at codon 177 of the ADAMTS9 protein (p.Arg177Gln). This variant is present in population databases (rs200574791, gnomAD 0.06%). This variant has not been reported in the literature in individuals affected with ADAMTS9-related conditions. ClinVar contains an entry for this variant (Variation ID: 1374176). Algorithms developed to predict the effect of missense changes on protein structure and function output the following: SIFT: "Not Available"; PolyPhen-2: "Benign"; Align-GVGD: "Not Available". The glutamine amino acid residue is found in multiple mammalian species, which suggests that this missense change does not adversely affect protein function. In summary, the available evidence is currently insufficient to determine the role of this variant in disease. Therefore, it has been classified as a Variant of Uncertain Significance.

NM_182920.2(ADAMTS9):c.530G>A (p.Arg177Gln)

Gene: ADAMTS9 (ADAM metallopeptidase with thrombospondin type 1 motif 9; minus strand). Cytogenetic location: 3p14.1.
Variant type: single nucleotide variant.
Coding change: c.530G>A on transcript NM_182920.2 (MANE Select); coding-DNA position 530, G replaced by A.
Protein change: p.Arg177Gln; replaces arginine 177 with glutamine.
Molecular consequence: missense variant.
Genome position (GRCh38, 1-based): chr3:64,681,350, C>T on the plus strand (G>A on the coding strand, the complement: ADAMTS9 is on the minus strand). VCF-style: chr3-64681350-C-T. GRCh37 (hg19) VCF-style: chr3-64667026-C-T.
Other names: c.530G>A, p.Arg177Gln (NM_001318781.2); short protein forms R177Q.
Identifiers: ClinVar variation 1374176 (VCV001374176.6), dbSNP rs200574791, ClinGen allele CA2481843.